The following is an entry in ClinVar:

ClinVar aggregate classification (germline): Conflicting classifications of pathogenicity. Review status: criteria provided, conflicting classifications (1 of 4 stars). 6 submissions from 6 submitters: Uncertain significance (1); Benign (2); Likely benign (3). Last evaluated 2026-08-13.

Conditions:
OCA2-related disorder. Also called: OCA2-related condition.
Tyrosinase-positive oculocutaneous albinism (OCA2). Also called: Albinism, oculocutaneous, type II; Oculocutaneous albinism type 2; ALBINISM II. Identifiers: Orphanet 79432, MedGen C0268495, MONDO:0008746, OMIM 203200.

Allele frequency attached by ClinVar (database versions not stated): gnomAD exomes 0.00026 and 0.00062; ExAC 0.00083; 1000 Genomes Project 30x 0.00265; gnomAD 0.00277 and 0.00302; 1000 Genomes Project 0.00300; ESP Exome Variant Server 0.00308; TOPMed 0.00317.
gnomAD v4.1: 822 of 1,613,000 alleles (0.051%); highest among the groups gnomAD compares: African/African-American, 0.97%; 9 homozygotes.

Submissions (6):

PreventionGenetics, part of Exact Sciences
Classification: Benign for OCA2-related condition. Last evaluated: 2026-08-13. Review status: criteria provided, single submitter. Criteria: ACMG Guidelines, 2015. Collection method: clinical testing. Allele origin: germline.
Comment: This variant is classified as benign based on ACMG/AMP sequence variant interpretation guidelines (Richards et al. 2015 PMID: 25741868, with internal and published modifications).

Labcorp Genetics (formerly Invitae), Labcorp
Classification: Benign. Last evaluated: 2026-02-01. Review status: criteria provided, single submitter. Criteria: Invitae Variant Classification Sherloc (09022015). Collection method: clinical testing. Allele origin: germline.

Blueprint Genetics
Classification: Likely benign. Last evaluated: 2024-09-24. Review status: criteria provided, single submitter. Criteria: ACMG Guidelines, 2015. Collection method: clinical testing. Allele origin: germline.

CeGaT Center for Human Genetics Tuebingen
Classification: Likely benign. Last evaluated: 2022-08-01. Review status: criteria provided, single submitter. Criteria: CeGaT Center For Human Genetics Tuebingen Variant Classification Criteria Version 2. Collection method: clinical testing. Allele origin: germline. Affected: yes. Observed: 1 variant allele.
Comment: OCA2: BP4, BS1

Genome-Nilou Lab
Classification: Likely benign for Tyrosinase-positive oculocutaneous albinism. Last evaluated: 2021-11-07. Review status: criteria provided, single submitter. Criteria: ACMG Guidelines, 2015. Collection method: clinical testing. Allele origin: germline. Affected: no.

Illumina Laboratory Services, Illumina
Classification: Uncertain significance for Tyrosinase-positive oculocutaneous albinism. Last evaluated: 2018-01-12. Review status: criteria provided, single submitter. Criteria: ICSL Variant Classification Criteria 13 December 2019. Collection method: clinical testing. Allele origin: germline.

NM_000275.3(OCA2):c.1744C>T (p.Leu582=)

Gene: OCA2 (OCA2 melanosomal transmembrane protein; minus strand). Cytogenetic location: 15q13.1.
Variant type: single nucleotide variant.
Coding change: c.1744C>T on transcript NM_000275.3 (MANE Select); coding-DNA position 1744, C replaced by T.
Protein change: p.Leu582=; no amino-acid change (leucine 582 retained).
Molecular consequence: synonymous variant.
Genome position (GRCh38, 1-based): chr15:27,957,628, G>A on the plus strand (C>T on the coding strand, the complement: OCA2 is on the minus strand). VCF-style: chr15-27957628-G-A. GRCh37 (hg19) VCF-style: chr15-28202774-G-A.
Other names: c.1672C>T, p.Leu558= (NM_001300984.2).
Identifiers: ClinVar variation 778520 (VCV000778520.43), dbSNP rs61751032, ClinGen allele CA7438934.